The following is an entry in ClinVar:

NM_001171.6(ABCC6):c.2784_2787del (p.Gly928_Arg929insTer)

Gene: ABCC6 (ATP binding cassette subfamily C member 6; minus strand). Cytogenetic location: 16p13.11.
Variant type: Deletion.
Coding change: c.2784_2787del on transcript NM_001171.6 (MANE Select); coding-DNA positions 2784 to 2787, 4 bases deleted (CAGG; older notation c.2784_2787delCAGG).
Protein change: p.Gly928_Arg929insTer.
Molecular consequence: frameshift variant. On other transcripts: non-coding transcript variant (1).
Genome position (GRCh38, 1-based): chr16:16,173,284-16,173,287, CCTG deleted on the plus strand (CAGG on the coding strand, the reverse complement: ABCC6 is on the minus strand); deleting any 4 consecutive bases within chr16:16,173,284-16,173,289 gives the same sequence; the c. name uses the placement nearest the transcript's 3' end. VCF-style (leftmost placement, unchanged base first): chr16-16173283-CCCTG-C. GRCh37 (hg19) VCF-style: chr16-16267140-CCCTG-C.
Other names: c.2442_2445del, p.Gly814_Arg815insTer (NM_001351800.1); c.2784_2787del4 (NM_001171.5).
Identifiers: ClinVar variation 433444 (VCV000433444.7), dbSNP rs765405352, ClinGen allele CA7925794.
Genomic context (GRCh38, chr16:16,173,283, plus strand): 5'-GACTTGGGCCCCTGGAGGTGGCAGCAGTGGGTGGGGAGGGGTGGGTGAAGCTGGTGGTTA[CCCTG>C]CCGTATTGGATGCTGTCCTTTCCTGCTGGCCATCCTGCCCTGTCAGGGTCATCCAGAGGA-3'

ClinVar aggregate classification (germline): Pathogenic. Review status: criteria provided, single submitter (1 of 4 stars). 2 submissions from 2 submitters: Pathogenic (1). 1 of the submissions does not count toward it. Last evaluated 2023-08-28.

Conditions:
Autosomal recessive inherited pseudoxanthoma elasticum (PXE). Identifiers: Orphanet 758, MedGen CN032334, MONDO:0009925, OMIM 264800.

Submissions (2):

Labcorp Genetics (formerly Invitae), Labcorp
Classification: Pathogenic. Last evaluated: 2023-08-28. Review status: criteria provided, single submitter. Criteria: Invitae Variant Classification Sherloc (09022015). Collection method: clinical testing. Allele origin: germline.
Comment: For these reasons, this variant has been classified as Pathogenic. Algorithms developed to predict the effect of sequence changes on RNA splicing suggest that this variant may disrupt the consensus splice site. This sequence change creates a premature translational stop signal (p.Arg929*) in the ABCC6 gene. It is expected to result in an absent or disrupted protein product. Loss-of-function variants in ABCC6 are known to be pathogenic (PMID: 11536079, 17617515). This variant is present in population databases (rs765405352, gnomAD 0.002%). This variant has not been reported in the literature in individuals affected with ABCC6-related conditions. ClinVar contains an entry for this variant (Variation ID: 433444).

PXE International
Classification: Likely pathogenic for Autosomal recessive inherited pseudoxanthoma elasticum. Last evaluated: 2021-03-02. Review status: no assertion criteria provided. Collection method: research. Allele origin: germline. Inheritance: Autosomal recessive inheritance. Affected: yes. Observed: 1 variant allele. Not counted in ClinVar's aggregate classification.

Literature cited by the submitters: PubMed 11536079 (cited by Labcorp Genetics (formerly Invitae), Labcorp); PubMed 17617515 (cited by Labcorp Genetics (formerly Invitae), Labcorp).